The following is an entry in ClinVar:

ClinVar aggregate classification (germline): Uncertain significance (1 of 4 stars; one submission).

gnomAD v4.1: 4 of 1,586,220 alleles (0.00025%); highest among the groups gnomAD compares: South Asian, 0.0033%; no homozygotes.

Submission:

Women's Health and Genetics/Laboratory Corporation of America, LabCorp
Classification: Uncertain significance. Last evaluated: 2026-01-06. Review status: criteria provided, single submitter. Criteria: LabCorp Variant Classification Summary - May 2015. Collection method: clinical testing. Allele origin: germline.
Comment: Variant summary: PEPD c.634G>T (p.Ala212Ser) results in a conservative amino acid change in the encoded protein sequence. Algorithms developed to predict the effect of missense changes on protein structure and function are either unavailable or do not agree on the potential impact of this missense change. The variant allele was found at a frequency of 1.2e-05 in 249576 control chromosomes. The available data on variant occurrences in the general population are insufficient to allow any conclusion about variant significance. To our knowledge, no occurrence of c.634G>T in individuals affected with PEPD-related conditions and no experimental evidence demonstrating its impact on protein function have been reported. A different variant affecting the same codon has been classified as pathogenic by our lab (c.634G>C, p.Ala212Pro), supporting the critical relevance of codon 212 to PEPD protein function. No submitters have cited clinical-significance assessments for this variant to ClinVar. Based on the evidence outlined above, the variant was classified as uncertain significance.

NM_000285.4(PEPD):c.634G>T (p.Ala212Ser)

Gene: PEPD (peptidase D; minus strand). Cytogenetic location: 19q13.11.
Variant type: single nucleotide variant.
Coding change: c.634G>T on transcript NM_000285.4 (MANE Select); coding-DNA position 634, G replaced by T.
Protein change: p.Ala212Ser; replaces alanine 212 with serine.
Molecular consequence: missense variant. On other transcripts: intron variant (1).
Genome position (GRCh38, 1-based): chr19:33,463,032, C>A on the plus strand (G>T on the coding strand, the complement: PEPD is on the minus strand). VCF-style: chr19-33463032-C-A. GRCh37 (hg19) VCF-style: chr19-33953938-C-A.
Other names: c.442G>T, p.Ala148Ser (NM_001166057.2); c.548+15014G>T (NM_001166056.2); short protein forms A148S, A212S.
Identifiers: ClinVar variation 4689613 (VCV004689613.1).